The following is an entry in ClinVar:

NM_000057.4(BLM):c.3064A>C (p.Asn1022His)

Gene: BLM (BLM RecQ like helicase; plus strand). Cytogenetic location: 15q26.1.
Variant type: single nucleotide variant.
Coding change: c.3064A>C on transcript NM_000057.4 (MANE Select); coding-DNA position 3064, A replaced by C.
Protein change: p.Asn1022His; replaces asparagine 1022 with histidine.
Molecular consequence: missense variant.
Genome position (GRCh38, 1-based): chr15:90,794,211, A>C. VCF-style: chr15-90794211-A-C. GRCh37 (hg19) VCF-style: chr15-91337441-A-C.
Other names: c.3064A>C, p.Asn1022His (NM_001287246.2, NM_001287247.2); c.1939A>C, p.Asn647His (NM_001287248.2); short protein forms N1022H, N647H.
Identifiers: ClinVar variation 3653798 (VCV003653798.2).

ClinVar aggregate classification (germline): Uncertain significance (1 of 4 stars; one submission).

Conditions:
Bloom syndrome (BLM). Also called: Bloom-Torre-Machacek syndrome. Identifiers: Orphanet 125, MedGen C0005859, MONDO:0008876, OMIM 210900.

gnomAD v4.1: 1 of 1,606,456 alleles (0.000062%); highest among the groups gnomAD compares: Middle Eastern, 0.017%; no homozygotes.

Submission:

Labcorp Genetics (formerly Invitae), Labcorp
Classification: Uncertain significance for Bloom syndrome. Last evaluated: 2024-05-18. Review status: criteria provided, single submitter. Criteria: Invitae Variant Classification Sherloc (09022015). Collection method: clinical testing. Allele origin: germline.
Comment: This sequence change replaces asparagine, which is neutral and polar, with histidine, which is basic and polar, at codon 1022 of the BLM protein (p.Asn1022His). This variant is not present in population databases (gnomAD no frequency). This variant has not been reported in the literature in individuals affected with BLM-related conditions. Advanced modeling of protein sequence and biophysical properties (such as structural, functional, and spatial information, amino acid conservation, physicochemical variation, residue mobility, and thermodynamic stability) performed at Invitae indicates that this missense variant is expected to disrupt BLM protein function with a positive predictive value of 80%. In summary, the available evidence is currently insufficient to determine the role of this variant in disease. Therefore, it has been classified as a Variant of Uncertain Significance.